The following is an entry in ClinVar:

NM_000352.6(ABCC8):c.-64C>G

Gene: ABCC8 (ATP binding cassette subfamily C member 8; minus strand). Cytogenetic location: 11p15.1.
Variant type: single nucleotide variant.
Coding change: c.-64C>G on transcript NM_000352.6 (MANE Select); 64 bases upstream of the start codon, C replaced by G.
Molecular consequence: 5 prime UTR variant. On other transcripts: non-coding transcript variant (1).
Genome position (GRCh38, 1-based): chr11:17,476,840, G>C on the plus strand (C>G on the coding strand, the complement: ABCC8 is on the minus strand). VCF-style: chr11-17476840-G-C. GRCh37 (hg19) VCF-style: chr11-17498387-G-C.
Other names: c.-64C>G (NM_001287174.3, NM_001351295.2, NM_001351296.2 and 1 more transcripts).
Identifiers: ClinVar variation 2194885 (VCV002194885.1), dbSNP rs1480451834, ClinGen allele CA1955161668.

ClinVar aggregate classification (germline): Uncertain significance (1 of 4 stars; one submission).

Submission:

Labcorp Genetics (formerly Invitae), Labcorp
Classification: Uncertain significance. Last evaluated: 2018-05-30. Review status: criteria provided, single submitter. Criteria: Invitae Variant Classification Sherloc (09022015). Collection method: clinical testing. Allele origin: germline.
Comment: This sequence change falls in the promoter region of the ABCC8 gene. It does not change the encoded amino acid sequence of the ABCC8 protein, but has been reported to alter gene expression. While this variant is not present in population databases, the frequency information is unreliable, as metrics indicate poor data quality at this position in the ExAC database. This variant has been observed in an individual affected with neonatal hyperinsulinism (PMID:¬†15579781). Experimental studies have shown that this decreases gene expression in vitro (PMID:¬†15579781). In summary, the available evidence is currently insufficient to determine the role of this variant in disease. Therefore, it has been classified as a Variant of Uncertain Significance.